The following is an entry in ClinVar:

NM_004385.5(VCAN):c.1087G>A (p.Ala363Thr)

Gene: VCAN (versican; plus strand). Cytogenetic location: 5q14.3.
Variant type: single nucleotide variant.
Coding change: c.1087G>A on transcript NM_004385.5 (MANE Select); coding-DNA position 1087, G replaced by A.
Protein change: p.Ala363Thr; replaces alanine 363 with threonine.
Molecular consequence: missense variant. On other transcripts: intron variant (2).
Genome position (GRCh38, 1-based): chr5:83,519,393, G>A. VCF-style: chr5-83519393-G-A. GRCh37 (hg19) VCF-style: chr5-82815212-G-A.
Other names: c.1087G>A, p.Ala363Thr (NM_001164098.2); c.1042+6997G>A (NM_001164097.2, NM_001126336.3); short protein forms A363T.
Identifiers: ClinVar variation 1051006 (VCV001051006.10), dbSNP rs757685339, ClinGen allele CA3332610.

ClinVar aggregate classification (germline): Conflicting classifications of pathogenicity. Review status: criteria provided, conflicting classifications (1 of 4 stars). 2 submissions from 2 submitters: Uncertain significance (1); Likely benign (1). Last evaluated 2026-01-06.

gnomAD v4.1: 9 of 1,614,052 alleles (0.00056%); highest among the groups gnomAD compares: Middle Eastern, 0.016%; no homozygotes.

Submissions (2):

Labcorp Genetics (formerly Invitae), Labcorp
Classification: Uncertain significance. Last evaluated: 2026-01-06. Review status: criteria provided, single submitter. Criteria: Invitae Variant Classification Sherloc (09022015). Collection method: clinical testing. Allele origin: germline.
Comment: This sequence change replaces alanine, which is neutral and non-polar, with threonine, which is neutral and polar, at codon 363 of the VCAN protein (p.Ala363Thr). This variant is present in population databases (rs757685339, gnomAD 0.003%). This variant has not been reported in the literature in individuals affected with VCAN-related conditions. ClinVar contains an entry for this variant (Variation ID: 1051006). An algorithm developed to predict the effect of missense changes on protein structure and function outputs the following: PolyPhen-2: "Benign". The threonine amino acid residue is found in multiple mammalian species, which suggests that this missense change does not adversely affect protein function. In summary, the available evidence is currently insufficient to determine the role of this variant in disease. Therefore, it has been classified as a Variant of Uncertain Significance.

Blueprint Genetics
Classification: Likely benign. Last evaluated: 2023-01-04. Review status: criteria provided, single submitter. Criteria: ACMG Guidelines, 2015. Collection method: clinical testing. Allele origin: germline.